The following is an entry in ClinVar:

ClinVar aggregate classification (germline): Uncertain significance (1 of 4 stars; one submission).

gnomAD v4.1: 25 of 1,613,696 alleles (0.0015%); highest among the groups gnomAD compares: African/African-American, 0.0027%; no homozygotes.

Submission:

Labcorp Genetics (formerly Invitae), Labcorp
Classification: Uncertain significance. Last evaluated: 2025-06-13. Review status: criteria provided, single submitter. Criteria: Invitae Variant Classification Sherloc (09022015). Collection method: clinical testing. Allele origin: germline.
Comment: This sequence change replaces isoleucine, which is neutral and non-polar, with threonine, which is neutral and polar, at codon 331 of the MTHFD1 protein (p.Ile331Thr). This variant is present in population databases (rs758098993, gnomAD 0.007%). This variant has not been reported in the literature in individuals affected with MTHFD1-related conditions. Invitae Evidence Modeling of protein sequence and biophysical properties (such as structural, functional, and spatial information, amino acid conservation, physicochemical variation, residue mobility, and thermodynamic stability) indicates that this missense variant is expected to disrupt MTHFD1 protein function with a positive predictive value of 80%. In summary, the available evidence is currently insufficient to determine the role of this variant in disease. Therefore, it has been classified as a Variant of Uncertain Significance.

NM_005956.4(MTHFD1):c.992T>C (p.Ile331Thr)

Gene: MTHFD1 (methylenetetrahydrofolate dehydrogenase, cyclohydrolase and formyltetrahydrofolate synthetase 1; plus strand). Cytogenetic location: 14q23.3.
Variant type: single nucleotide variant.
Coding change: c.992T>C on transcript NM_005956.4 (MANE Select); coding-DNA position 992, T replaced by C.
Protein change: p.Ile331Thr; replaces isoleucine 331 with threonine.
Molecular consequence: missense variant.
Genome position (GRCh38, 1-based): chr14:64,426,057, T>C. VCF-style: chr14-64426057-T-C. GRCh37 (hg19) VCF-style: chr14-64892775-T-C.
Other names: c.992T>C, p.Ile331Thr (NM_001364837.1); short protein forms I331T.
Identifiers: ClinVar variation 4747637 (VCV004747637.1).